The following is an entry in ClinVar:

NM_001378414.1(HDAC4):c.1088C>G (p.Pro363Arg)

Gene: HDAC4 (histone deacetylase 4; minus strand). Cytogenetic location: 2q37.3.
Variant type: single nucleotide variant.
Coding change: c.1088C>G on transcript NM_001378414.1 (MANE Select); coding-DNA position 1088, C replaced by G.
Protein change: p.Pro363Arg; replaces proline 363 with arginine.
Molecular consequence: missense variant.
Genome position (GRCh38, 1-based): chr2:239,134,534, G>C on the plus strand (C>G on the coding strand, the complement: HDAC4 is on the minus strand). VCF-style: chr2-239134534-G-C. GRCh37 (hg19) VCF-style: chr2-240056230-G-C.
Other names: c.1088C>G, p.Pro363Arg (NM_001378415.1, NM_001378416.1, NM_001378417.1 and 1 more transcripts); short protein forms P363R.
Identifiers: ClinVar variation 3283686 (VCV003283686.7).

ClinVar aggregate classification (germline): Likely benign. Review status: criteria provided, multiple submitters, no conflicts (2 of 4 stars). 2 submissions from 2 submitters: Likely benign (2). Last evaluated 2025-10-01.

Conditions:
Inborn genetic diseases. Identifiers: MedGen C0950123, MeSH D030342.

gnomAD v4.1: 168 of 1,613,918 alleles (0.01%); highest among the groups gnomAD compares: Non-Finnish European, 0.012%; no homozygotes.

Submissions (2):

CeGaT Center for Human Genetics Tuebingen
Classification: Likely benign. Last evaluated: 2025-10-01. Review status: criteria provided, single submitter. Criteria: CeGaT Center For Human Genetics Tuebingen Variant Classification Criteria Version 2. Collection method: clinical testing. Allele origin: germline. Affected: yes. Observed: 1 variant allele.
Comment: HDAC4: BS2

Ambry Genetics
Classification: Likely benign for Inborn genetic diseases. Last evaluated: 2024-04-27. Review status: criteria provided, single submitter. Criteria: Ambry Variant Classification Scheme 2023. Collection method: clinical testing. Allele origin: germline.